The following is an entry in ClinVar:

NM_001312673.2(PCYT1A):c.932T>C (p.Leu311Pro)

Gene: PCYT1A (phosphate cytidylyltransferase 1A, choline; minus strand). Cytogenetic location: 3q29.
Variant type: single nucleotide variant.
Coding change: c.932T>C on transcript NM_001312673.2 (MANE Select); coding-DNA position 932, T replaced by C.
Protein change: p.Leu311Pro; replaces leucine 311 with proline.
Molecular consequence: missense variant.
Genome position (GRCh38, 1-based): chr3:196,238,860, A>G on the plus strand (T>C on the coding strand, the complement: PCYT1A is on the minus strand). VCF-style: chr3-196238860-A-G. GRCh37 (hg19) VCF-style: chr3-195965731-A-G.
Other names: c.932T>C, p.Leu311Pro (NM_005017.4); short protein forms L311P.
Identifiers: ClinVar variation 2085805 (VCV002085805.4), dbSNP rs2474015367, ClinGen allele CA355608047.

ClinVar aggregate classification (germline): Uncertain significance (1 of 4 stars; one submission).

Submission:

Labcorp Genetics (formerly Invitae), Labcorp
Classification: Uncertain significance. Last evaluated: 2024-06-04. Review status: criteria provided, single submitter. Criteria: Invitae Variant Classification Sherloc (09022015). Collection method: clinical testing. Allele origin: germline.
Comment: This sequence change replaces leucine, which is neutral and non-polar, with proline, which is neutral and non-polar, at codon 311 of the PCYT1A protein (p.Leu311Pro). This variant is not present in population databases (gnomAD no frequency). This variant has not been reported in the literature in individuals affected with PCYT1A-related conditions. ClinVar contains an entry for this variant (Variation ID: 2085805). Advanced modeling of protein sequence and biophysical properties (such as structural, functional, and spatial information, amino acid conservation, physicochemical variation, residue mobility, and thermodynamic stability) has been performed at Invitae for this missense variant, however the output from this modeling did not meet the statistical confidence thresholds required to predict the impact of this variant on PCYT1A protein function. In summary, the available evidence is currently insufficient to determine the role of this variant in disease. Therefore, it has been classified as a Variant of Uncertain Significance.